The following is an entry in ClinVar:

ClinVar aggregate classification (germline): Uncertain significance (1 of 4 stars; one submission).

Submission:

Ambry Genetics
Classification: Uncertain significance. Last evaluated: 2023-09-25. Review status: criteria provided, single submitter. Criteria: Ambry Variant Classification Scheme 2023. Collection method: clinical testing. Allele origin: germline.
Comment: The p.Y2040H variant (also known as c.6118T>C), located in coding exon 10 of the ALPK2 gene, results from a T to C substitution at nucleotide position 6118. The tyrosine at codon 2040 is replaced by histidine, an amino acid with similar properties. This amino acid position is conserved. In addition, the in silico prediction for this alteration is inconclusive. Since supporting evidence is limited at this time, the clinical significance of this alteration remains unclear.

NM_052947.4(ALPK2):c.6118T>C (p.Tyr2040His)

Gene: ALPK2 (alpha kinase 2; minus strand). Cytogenetic location: 18q21.31.
Variant type: single nucleotide variant.
Coding change: c.6118T>C on transcript NM_052947.4 (MANE Select); coding-DNA position 6118, T replaced by C.
Protein change: p.Tyr2040His; replaces tyrosine 2040 with histidine.
Molecular consequence: missense variant.
Genome position (GRCh38, 1-based): chr18:58,504,060, A>G on the plus strand (T>C on the coding strand, the complement: ALPK2 is on the minus strand). VCF-style: chr18-58504060-A-G. GRCh37 (hg19) VCF-style: chr18-56171292-A-G.
Other names: short protein forms Y2040H.
Identifiers: ClinVar variation 3228843 (VCV003228843.1), dbSNP rs2518854999, ClinGen allele CA402544233.
Genomic context (GRCh38, chr18:58,504,060, plus strand): 5'-TCTGACCAGCTTCTGATTCTCTTCTCAAGAAGTTTATTTCTTTCCCATCCCTGATGGAAT[A>G]CTTCACAAATTCTCCAATCAGCTCCTCCTCCACTGTAGCATACGGGATATTGTTCTCAGG-3'
Protein context (NP_443179.3, residues 2030-2050): EEELIGEFVK[Tyr2040His]SIRDGKEINF